The following is an entry in ClinVar:

NM_001330723.2(SNX27):c.1155C>T (p.Val385=)

Gene: SNX27 (sorting nexin 27; plus strand). Cytogenetic location: 1q21.3.
Variant type: single nucleotide variant.
Coding change: c.1155C>T on transcript NM_001330723.2 (MANE Select); coding-DNA position 1155, C replaced by T.
Protein change: p.Val385=; no amino-acid change (valine 385 retained).
Molecular consequence: synonymous variant.
Genome position (GRCh38, 1-based): chr1:151,683,361, C>T. VCF-style: chr1-151683361-C-T. GRCh37 (hg19) VCF-style: chr1-151655837-C-T.
Other names: p.Val385=; c.1155C>T, p.Val385= (NM_030918.6).
Identifiers: ClinVar variation 462803 (VCV000462803.14), dbSNP rs115166911, ClinGen allele CA1093600.

ClinVar aggregate classification (germline): Benign. Review status: criteria provided, multiple submitters, no conflicts (2 of 4 stars). 3 submissions from 3 submitters: Benign (3). Last evaluated 2026-02-03.

Conditions:
Severe myoclonic epilepsy in infancy (DRVT). Also called: Dravet syndrome; Epileptic encephalopathy, early infantile, 6 (Dravet syndrome); SEVERE MYOCLONIC EPILEPSY OF INFANCY; DEVELOPMENTAL AND EPILEPTIC ENCEPHALOPATHY 6A; Severe Myoclonic Epilepsy in Infancy (SMEI). Identifiers: Orphanet 33069, MedGen C0751122, MONDO:0100135, OMIM 607208.

Allele frequency attached by ClinVar (database versions not stated): gnomAD 0.00642 and 0.00687; ESP Exome Variant Server 0.00707; TOPMed 0.00726; 1000 Genomes Project 0.00859; 1000 Genomes Project 30x 0.00906.
gnomAD v4.1: 1,835 of 1,611,368 alleles (0.11%); highest among the groups gnomAD compares: African/African-American, 2.2%; 24 homozygotes.

Submissions (3):

Labcorp Genetics (formerly Invitae), Labcorp
Classification: Benign for Severe myoclonic epilepsy in infancy. Last evaluated: 2026-02-03. Review status: criteria provided, single submitter. Criteria: Invitae Variant Classification Sherloc (09022015). Collection method: clinical testing. Allele origin: germline.

Mayo Clinic Laboratories, Mayo Clinic
Classification: Benign. Last evaluated: 2023-10-11. Review status: criteria provided, single submitter. Criteria: ACMG Guidelines, 2015. Collection method: clinical testing. Allele origin: germline. Observed: 3 variant alleles.
Comment: BS1, BS2, BP4, BP7

Breakthrough Genomics
Classification: Benign. Review status: criteria provided, single submitter. Criteria: ACMG Guidelines, 2015. Collection method: not provided. Allele origin: germline. Inheritance: Unknown mechanism. Affected: yes.